The following is an entry in ClinVar:

ClinVar aggregate classification (germline): Uncertain significance (1 of 4 stars; one submission).

Conditions:
DOCK2 deficiency. Also called: Immunodeficiency 40. Identifiers: Orphanet 447737, MedGen C4225328, MONDO:0014637, OMIM 616433.

Allele frequency attached by ClinVar (database versions not stated): gnomAD exomes below 0.00001.
gnomAD v4.1: 1 of 1,613,966 alleles (0.000062%); highest among the groups gnomAD compares: Non-Finnish European, 0.000085%; no homozygotes.

Submission:

Labcorp Genetics (formerly Invitae), Labcorp
Classification: Uncertain significance for DOCK2 deficiency. Last evaluated: 2023-12-01. Review status: criteria provided, single submitter. Criteria: Invitae Variant Classification Sherloc (09022015). Collection method: clinical testing. Allele origin: germline.
Comment: This sequence change replaces arginine, which is basic and polar, with lysine, which is basic and polar, at codon 75 of the DOCK2 protein (p.Arg75Lys). This variant also falls at the last nucleotide of exon 4, which is part of the consensus splice site for this exon. This variant is not present in population databases (gnomAD no frequency). This variant has not been reported in the literature in individuals affected with DOCK2-related conditions. An algorithm developed to predict the effect of missense changes on protein structure and function (PolyPhen-2) suggests that this variant is likely to be tolerated. Variants that disrupt the consensus splice site are a relatively common cause of aberrant splicing (PMID: 17576681, 9536098). Algorithms developed to predict the effect of sequence changes on RNA splicing suggest that this variant may disrupt the consensus splice site. In summary, the available evidence is currently insufficient to determine the role of this variant in disease. Therefore, it has been classified as a Variant of Uncertain Significance.

Literature cited by the submitters: PubMed 17576681; PubMed 9536098.

NM_004946.3(DOCK2):c.224G>A (p.Arg75Lys)

Gene: DOCK2 (dedicator of cytokinesis 2; plus strand). Cytogenetic location: 5q35.1.
Variant type: single nucleotide variant.
Coding change: c.224G>A on transcript NM_004946.3 (MANE Select); coding-DNA position 224, G replaced by A.
Protein change: p.Arg75Lys; replaces arginine 75 with lysine.
Molecular consequence: missense variant. On other transcripts: non-coding transcript variant (1).
Genome position (GRCh38, 1-based): chr5:169,670,597, G>A. VCF-style: chr5-169670597-G-A. GRCh37 (hg19) VCF-style: chr5-169097601-G-A.
Other names: short protein forms R75K.
Identifiers: ClinVar variation 2698025 (VCV002698025.3), dbSNP rs2532443025, ClinGen allele CA362102229.